The following is an entry in ClinVar:

ClinVar aggregate classification (germline): Likely benign (1 of 4 stars; one submission).

Allele frequency attached by ClinVar (database versions not stated): gnomAD exomes 0.00011; ExAC 0.00031; gnomAD 0.00063.
gnomAD v4.1: 90 of 487,400 alleles (0.018%); highest among the groups gnomAD compares: African/African-American, 0.64%; no homozygotes.

Submission:

CeGaT Center for Human Genetics Tuebingen
Classification: Likely benign. Last evaluated: 2026-08-01. Review status: criteria provided, single submitter. Criteria: CeGaT Center For Human Genetics Tuebingen Variant Classification Criteria Version 2. Collection method: clinical testing. Allele origin: germline. Affected: yes. Observed: 7 variant alleles.
Comment: ATN1: BP4, BP7, BS1

NM_001940.4(ATN1):c.1464G>A (p.Gln488=)

Genes: ATN1 (atrophin 1; plus strand), LOC109461484 (atrophin 1 repeat instability region; plus strand). Cytogenetic location: 12p13.31.
Variant type: single nucleotide variant.
Coding change: c.1464G>A on transcript NM_001940.4 (MANE Select); coding-DNA position 1464, G replaced by A.
Protein change: p.Gln488=; no amino-acid change (glutamine 488 retained).
Molecular consequence: synonymous variant.
Genome position (GRCh38, 1-based): chr12:6,936,731, G>A. VCF-style: chr12-6936731-G-A. GRCh37 (hg19) VCF-style: chr12-7045894-G-A.
Other names: c.1464G>A, p.Gln488= (NM_001007026.2, NM_001424176.1, NM_001424177.1 and 2 more transcripts); c.1461G>A, p.Gln487= (NM_001424179.1, NM_001424180.1, NM_001424182.1).
Identifiers: ClinVar variation 2642647 (VCV002642647.24), dbSNP rs782565332, ClinGen allele CA6420592.